The following is an entry in ClinVar:

ClinVar aggregate classification (germline): Uncertain significance (1 of 4 stars; one submission).

Conditions:
Hereditary cancer-predisposing syndrome. Also called: Tumor predisposition; Hereditary Cancer Syndrome; Neoplastic Syndromes, Hereditary; Hereditary neoplastic syndrome. Identifiers: Orphanet 140162, MedGen C0027672, MeSH D009386, MONDO:0015356.

Submission:

Ambry Genetics
Classification: Uncertain significance for Hereditary cancer-predisposing syndrome. Last evaluated: 2023-03-18. Review status: criteria provided, single submitter. Criteria: Ambry Variant Classification Scheme 2023. Collection method: clinical testing. Allele origin: germline.
Comment: The p.E1061Q variant (also known as c.3181G>C), located in coding exon 21 of the RAD50 gene, results from a G to C substitution at nucleotide position 3181. The glutamic acid at codon 1061 is replaced by glutamine, an amino acid with highly similar properties. This amino acid position is well conserved in available vertebrate species. In addition, this alteration is predicted to be tolerated by in silico analysis. Since supporting evidence is limited at this time, the clinical significance of this alteration remains unclear.

NM_005732.4(RAD50):c.3181G>C (p.Glu1061Gln)

Gene: RAD50 (RAD50 double strand break repair protein; plus strand). Cytogenetic location: 5q31.1.
Variant type: single nucleotide variant.
Coding change: c.3181G>C on transcript NM_005732.4 (MANE Select); coding-DNA position 3181, G replaced by C.
Protein change: p.Glu1061Gln; replaces glutamic acid 1061 with glutamine.
Molecular consequence: missense variant.
Genome position (GRCh38, 1-based): chr5:132,618,086, G>C. VCF-style: chr5-132618086-G-C. GRCh37 (hg19) VCF-style: chr5-131953778-G-C.
Other names: short protein forms E1061Q.
Identifiers: ClinVar variation 823110 (VCV000823110.5), dbSNP rs374859609, ClinGen allele CA360964234.
Genomic context (GRCh38, chr5:132,618,086, plus strand): 5'-AAAGCTAAAAAATGGTCCTCATTTGTCATTTTTCTTTTTTACAGTGAACATCAGAAGTTG[G>C]AAGAGAACATAGACAATATAAAAAGAAATCATAATTTGGCATTAGGGCGACAGAAAGGTT-3'
Protein context (NP_005723.2, residues 1051-1071): LQMKSEHQKL[Glu1061Gln]ENIDNIKRNH